The following is an entry in ClinVar:

NM_018942.3(HMX1):c.251G>C (p.Arg84Pro)

Gene: HMX1 (H6 family homeobox 1; minus strand). Cytogenetic location: 4p16.1.
Variant type: single nucleotide variant.
Coding change: c.251G>C on transcript NM_018942.3 (MANE Select); coding-DNA position 251, G replaced by C.
Protein change: p.Arg84Pro; replaces arginine 84 with proline.
Molecular consequence: missense variant.
Genome position (GRCh38, 1-based): chr4:8,871,364, C>G on the plus strand (G>C on the coding strand, the complement: HMX1 is on the minus strand). VCF-style: chr4-8871364-C-G. GRCh37 (hg19) VCF-style: chr4-8873090-C-G.
Other names: c.251G>C, p.Arg84Pro (NM_001306142.2); short protein forms R84P.
Identifiers: ClinVar variation 1960757 (VCV001960757.5), dbSNP rs1241616992, ClinGen allele CA356279020.

ClinVar aggregate classification (germline): Uncertain significance (1 of 4 stars; one submission).

Submission:

Labcorp Genetics (formerly Invitae), Labcorp
Classification: Uncertain significance. Last evaluated: 2022-03-27. Review status: criteria provided, single submitter. Criteria: Invitae Variant Classification Sherloc (09022015). Collection method: clinical testing. Allele origin: germline.
Comment: In summary, the available evidence is currently insufficient to determine the role of this variant in disease. Therefore, it has been classified as a Variant of Uncertain Significance. Algorithms developed to predict the effect of missense changes on protein structure and function are either unavailable or do not agree on the potential impact of this missense change (SIFT: "Tolerated"; PolyPhen-2: "Not Available"; Align-GVGD: "Class C0"). This variant has not been reported in the literature in individuals affected with HMX1-related conditions. This variant is not present in population databases (gnomAD no frequency). This sequence change replaces arginine, which is basic and polar, with proline, which is neutral and non-polar, at codon 84 of the HMX1 protein (p.Arg84Pro).